The following is an entry in ClinVar:

NM_005015.3(OXA1L):c.159dupA

Gene: OXA1L (OXA1L mitochondrial inner membrane insertase; plus strand). Cytogenetic location: 14q11.2.
Variant type: Duplication.
Coding change: c.159dupA on transcript NM_005015.3; coding-DNA position 159, one base duplicated (A).
Molecular consequence: frameshift variant.
Genome position (GRCh38, 1-based): chr14:22,766,680, A duplicated; the last of 4 consecutive A bases (chr14:22,766,677-22,766,680); duplicating any one gives the same sequence. VCF-style (leftmost placement, unchanged base first): chr14-22766676-C-CA. GRCh37 (hg19) VCF-style: chr14-23235885-C-CA.
Identifiers: ClinVar variation 1339882 (VCV001339882.27), dbSNP rs559124780, ClinGen allele CA7103778.

ClinVar aggregate classification (germline): Likely benign. Review status: criteria provided, multiple submitters, no conflicts (2 of 4 stars). 2 submissions from 2 submitters: Likely benign (2). Last evaluated 2026-03-21.

Conditions:
OXA1L-related disorder. Also called: OXA1L-related condition.

Submissions (2):

PreventionGenetics, part of Exact Sciences
Classification: Likely benign for OXA1L-related condition. Last evaluated: 2026-03-21. Review status: criteria provided, single submitter. Criteria: ACMG Guidelines, 2015. Collection method: clinical testing. Allele origin: germline.
Comment: This variant is classified as likely benign based on ACMG/AMP sequence variant interpretation guidelines (Richards et al. 2015 PMID: 25741868, with internal and published modifications).

CeGaT Center for Human Genetics Tuebingen
Classification: Likely benign. Last evaluated: 2022-03-01. Review status: criteria provided, single submitter. Criteria: CeGaT Center For Human Genetics Tuebingen Variant Classification Criteria Version 2. Collection method: clinical testing. Allele origin: germline. Affected: yes. Observed: 1 variant allele.
Comment: OXA1L: BS1